The following is an entry in ClinVar:

NM_006383.4(CIB2):c.9C>G (p.Asn3Lys)

Genes: CIB2 (calcium and integrin binding family member 2; minus strand), LOC130057683 (ATAC-STARR-seq lymphoblastoid silent region 6705; plus strand). Cytogenetic location: 15q25.1.
Variant type: single nucleotide variant.
Coding change: c.9C>G on transcript NM_006383.4 (MANE Select); coding-DNA position 9, C replaced by G.
Protein change: p.Asn3Lys; replaces asparagine 3 with lysine.
Molecular consequence: missense variant. On other transcripts: 5 prime UTR variant (1), non-coding transcript variant (1).
Genome position (GRCh38, 1-based): chr15:78,131,207, G>C on the plus strand (C>G on the coding strand, the complement: CIB2 is on the minus strand). VCF-style: chr15-78131207-G-C. GRCh37 (hg19) VCF-style: chr15-78423549-G-C.
Other names: p.Asn3Lys; c.-86C>G (NM_001271888.2); c.9C>G, p.Asn3Lys (NM_001271889.2, NM_001301224.2); short protein forms N3K.
Identifiers: ClinVar variation 1801505 (VCV001801505.3), dbSNP rs771750530, ClinGen allele CA393552028.

ClinVar aggregate classification (germline): Uncertain significance (1 of 4 stars; one submission).

Conditions:
Autosomal recessive nonsyndromic hearing loss 48. Also called: Deafness, autosomal recessive 48; Usher Syndrome Type 1J. Identifiers: Orphanet 231169, Orphanet 886, Orphanet 90636, MedGen C1836199, MONDO:0012273, OMIM 609439.

Submission:

Foundation for Research in Genetics and Endocrinology, FRIGE's Institute of Human Genetics
Classification: Uncertain significance for Autosomal recessive nonsyndromic hearing loss 48. Last evaluated: 2022-09-15. Review status: criteria provided, single submitter. Criteria: ACMG Guidelines, 2015. Collection method: clinical testing. Allele origin: germline. Inheritance: Autosomal recessive inheritance. Affected: yes. Observed: 1 variant allele, 1 heterozygote.
Comment: A homozygous missense variation in exon 1 of the CIB2 gene that results in the amino acid substitution of Lysine for Asparagine at codon 3 was detected . This variant has not been reported in the 1000 genomes and gnomAD databases . The in silico predictions of the variant are probably damaging by PolyPhen- 2 (HumDiv) and damaging by SIFT and LRT. The reference codon is conserved across mammals. In summary, the variant meets our criteria to be classified as a variant of uncertain significance.